The following is an entry in ClinVar:

NM_001184785.2(PARD3):c.2778C>T (p.Ile926=)

Gene: PARD3 (par-3 family cell polarity regulator; minus strand). Cytogenetic location: 10p11.21.
Variant type: single nucleotide variant.
Coding change: c.2778C>T on transcript NM_001184785.2 (MANE Select); coding-DNA position 2778, C replaced by T.
Protein change: p.Ile926=; no amino-acid change (isoleucine 926 retained).
Molecular consequence: synonymous variant.
Genome position (GRCh38, 1-based): chr10:34,331,172, G>A on the plus strand (C>T on the coding strand, the complement: PARD3 is on the minus strand). VCF-style: chr10-34331172-G-A. GRCh37 (hg19) VCF-style: chr10-34620100-G-A.
Other names: c.2739C>T, p.Ile913= (NM_001184786.2); c.2787C>T, p.Ile929= (NM_001184787.2, NM_019619.4); c.2649C>T, p.Ile883= (NM_001184788.2, NM_001184789.2, NM_001184794.2); c.2517C>T, p.Ile839= (NM_001184790.2); c.2562C>T, p.Ile854= (NM_001184791.2); c.2778C>T, p.Ile926= (NM_001184792.2); c.2685C>T, p.Ile895= (NM_001184793.2).
Identifiers: ClinVar variation 3040185 (VCV003040185.2), dbSNP rs147136694, ClinGen allele CA5467508.

ClinVar aggregate classification (germline): Likely benign (0 of 4 stars; one submission).

Conditions:
PARD3-related disorder. Also called: PARD3-related condition.

Allele frequency attached by ClinVar (database versions not stated): ESP Exome Variant Server 0.00015.
gnomAD v4.1: 165 of 1,613,818 alleles (0.01%); highest among the groups gnomAD compares: Middle Eastern, 0.41%; no homozygotes.

Submission:

PreventionGenetics, part of Exact Sciences
Classification: Likely benign for PARD3-related condition. Last evaluated: 2019-09-10. Review status: no assertion criteria provided. Collection method: clinical testing. Allele origin: germline.
Comment: This variant is classified as likely benign based on ACMG/AMP sequence variant interpretation guidelines (Richards et al. 2015 PMID: 25741868, with internal and published modifications).